The following is an entry in ClinVar:

NM_021975.4(RELA):c.1541C>G (p.Ala514Gly)

Gene: RELA (RELA proto-oncogene, NF-kB subunit; minus strand). Cytogenetic location: 11q13.1.
Variant type: single nucleotide variant.
Coding change: c.1541C>G on transcript NM_021975.4 (MANE Select); coding-DNA position 1541, C replaced by G.
Protein change: p.Ala514Gly; replaces alanine 514 with glycine.
Molecular consequence: missense variant.
Genome position (GRCh38, 1-based): chr11:65,654,493, G>C on the plus strand (C>G on the coding strand, the complement: RELA is on the minus strand). VCF-style: chr11-65654493-G-C. GRCh37 (hg19) VCF-style: chr11-65421964-G-C.
Other names: c.1532C>G, p.Ala511Gly (NM_001145138.2); c.1334C>G, p.Ala445Gly (NM_001243984.2); c.1232C>G, p.Ala411Gly (NM_001243985.2); c.1574C>G, p.Ala525Gly (NM_001404657.1); c.1514C>G, p.Ala505Gly (NM_001404658.1); c.1328C>G, p.Ala443Gly (NM_001404659.1); c.1223C>G, p.Ala408Gly (NM_001404660.1); c.1160C>G, p.Ala387Gly (NM_001404661.1); and 1 more; short protein forms A387G, A408G, A411G, A443G, A445G, A483G, A505G, A511G.
Identifiers: ClinVar variation 2575942 (VCV002575942.1), dbSNP rs369008511, ClinGen allele CA224005573.

ClinVar aggregate classification (germline): Uncertain significance (1 of 4 stars; one submission).

Allele frequency attached by ClinVar (database versions not stated): gnomAD exomes below 0.00001; gnomAD 0.00001; TOPMed 0.00001; ESP Exome Variant Server 0.00008.
gnomAD v4.1: 2 of 1,602,066 alleles (0.00012%); highest among the groups gnomAD compares: Non-Finnish European, 0.00017%; no homozygotes.

Submission:

Institute for Clinical Genetics, University Hospital TU Dresden, University Hospital TU Dresden
Classification: Uncertain significance. Last evaluated: 2022-02-01. Review status: criteria provided, single submitter. Criteria: ACMG Guidelines, 2015. Collection method: clinical testing. Allele origin: germline.
Comment: PM2_SUP